The following is an entry in ClinVar:

ClinVar aggregate classification (germline): Uncertain significance. Review status: criteria provided, multiple submitters, no conflicts (2 of 4 stars). 3 submissions from 3 submitters: Uncertain significance (3). Last evaluated 2024-10-29.

Conditions:
Inborn genetic diseases. Identifiers: MedGen C0950123, MeSH D030342.

Allele frequency attached by ClinVar (database versions not stated): gnomAD 0.00001; TOPMed 0.00001; ExAC 0.00003; gnomAD exomes 0.00004.
gnomAD v4.1: 25 of 1,614,144 alleles (0.0015%); highest among the groups gnomAD compares: East Asian, 0.0089%; no homozygotes.

Submissions (3):

Labcorp Genetics (formerly Invitae), Labcorp
Classification: Uncertain significance. Last evaluated: 2024-10-29. Review status: criteria provided, single submitter. Criteria: Invitae Variant Classification Sherloc (09022015). Collection method: clinical testing. Allele origin: germline.
Comment: This sequence change replaces methionine, which is neutral and non-polar, with valine, which is neutral and non-polar, at codon 268 of the DFNA5 protein (p.Met268Val). This variant is present in population databases (rs750203754, gnomAD 0.03%). This variant has not been reported in the literature in individuals affected with DFNA5-related conditions. ClinVar contains an entry for this variant (Variation ID: 2597690). Invitae Evidence Modeling of protein sequence and biophysical properties (such as structural, functional, and spatial information, amino acid conservation, physicochemical variation, residue mobility, and thermodynamic stability) indicates that this missense variant is not expected to disrupt DFNA5 protein function with a negative predictive value of 80%. In summary, the available evidence is currently insufficient to determine the role of this variant in disease. Therefore, it has been classified as a Variant of Uncertain Significance.

GeneDx
Classification: Uncertain significance. Last evaluated: 2024-10-03. Review status: criteria provided, single submitter. Criteria: GeneDx Variant Classification Process June 2021. Collection method: clinical testing. Allele origin: germline. Affected: yes.
Comment: In silico analysis indicates that this missense variant does not alter protein structure/function; Has not been previously published as pathogenic or benign to our knowledge

Ambry Genetics
Classification: Uncertain significance for Inborn genetic diseases. Last evaluated: 2023-09-14. Review status: criteria provided, single submitter. Criteria: Ambry Variant Classification Scheme 2023. Collection method: clinical testing. Allele origin: germline.

NM_001127453.2(GSDME):c.802A>G (p.Met268Val)

Gene: GSDME (gasdermin E; minus strand). Cytogenetic location: 7p15.3.
Variant type: single nucleotide variant.
Coding change: c.802A>G on transcript NM_001127453.2 (MANE Select); coding-DNA position 802, A replaced by G.
Protein change: p.Met268Val; replaces methionine 268 with valine.
Molecular consequence: missense variant.
Genome position (GRCh38, 1-based): chr7:24,710,284, T>C on the plus strand (A>G on the coding strand, the complement: GSDME is on the minus strand). VCF-style: chr7-24710284-T-C. GRCh37 (hg19) VCF-style: chr7-24749903-T-C.
Other names: c.310A>G, p.Met104Val (NM_001127454.2); c.802A>G, p.Met268Val (NM_004403.3); short protein forms M268V, M104V.
Identifiers: ClinVar variation 2597690 (VCV002597690.6), dbSNP rs750203754, ClinGen allele CA4191558.
Genomic context (GRCh38, chr7:24,710,284, plus strand): 5'-CTTGCTTTAAAACACTTAATGGTCCATCCTGGGAAGATATCCCATGCGCAGCATCTGGCA[T>C]GTCTATGAATGCAAACTCTCGAAAGACCAGGGGGTCCAGGTAGACAGAGTCAATTCTCTT-3'
Protein context (NP_001120925.1, residues 258-278): LVFREFAFID[Met268Val]PDAAHGISSQ